The following is an entry in ClinVar:

ClinVar aggregate classification (germline): Uncertain significance (1 of 4 stars; one submission).

Conditions:
ARID2-related disorder. Also called: ARID2-related condition.

Submission:

PreventionGenetics, part of Exact Sciences
Classification: Uncertain significance for ARID2-related condition. Last evaluated: 2025-06-17. Review status: criteria provided, single submitter. Criteria: ACMG Guidelines, 2015. Collection method: clinical testing. Allele origin: germline.
Comment: The ARID2 c.1544T>C variant is predicted to result in the amino acid substitution p.Ile515Thr. To our knowledge, this variant has not been reported in the literature or in a large population database (gnomAD), indicating this variant is rare. At this time, the clinical significance of this variant is uncertain due to the absence of conclusive functional and genetic evidence.

NM_152641.4(ARID2):c.1544T>C (p.Ile515Thr)

Gene: ARID2 (AT-rich interaction domain 2; plus strand). Cytogenetic location: 12q12.
Variant type: single nucleotide variant.
Coding change: c.1544T>C on transcript NM_152641.4 (MANE Select); coding-DNA position 1544, T replaced by C.
Protein change: p.Ile515Thr; replaces isoleucine 515 with threonine.
Molecular consequence: missense variant.
Genome position (GRCh38, 1-based): chr12:45,846,901, T>C. VCF-style: chr12-45846901-T-C. GRCh37 (hg19) VCF-style: chr12-46240684-T-C.
Other names: c.1544T>C, p.Ile515Thr (NM_001347839.2); short protein forms I515T.
Identifiers: ClinVar variation 4986061 (VCV004986061.1).
Genomic context (GRCh38, chr12:45,846,901, plus strand): 5'-TATTTTTTTCTTTAGCTTCCAGAGCAGTTGTAGCGCAGCATGTTGCTCCACCTCCAGGAA[T>C]AGTGGAAATAGATAGTGAGAAGTTTGCTTGTCAGTGGTAAGTGGTTTATTTCTATTAAGG-3'
Protein context (NP_689854.2, residues 505-525): VAQHVAPPPG[Ile515Thr]VEIDSEKFAC